The following is an entry in ClinVar:

NM_005802.5(TOPORS):c.1817G>A (p.Ser606Asn)

Gene: TOPORS (TOP1 binding arginine/serine rich protein, E3 ubiquitin ligase; minus strand). Cytogenetic location: 9p21.1.
Variant type: single nucleotide variant.
Coding change: c.1817G>A on transcript NM_005802.5 (MANE Select); coding-DNA position 1817, G replaced by A.
Protein change: p.Ser606Asn; replaces serine 606 with asparagine.
Molecular consequence: missense variant.
Genome position (GRCh38, 1-based): chr9:32,542,708, C>T on the plus strand (G>A on the coding strand, the complement: TOPORS is on the minus strand). VCF-style: chr9-32542708-C-T. GRCh37 (hg19) VCF-style: chr9-32542706-C-T.
Other names: c.1622G>A, p.Ser541Asn (NM_001195622.2); short protein forms S606N, S541N.
Identifiers: ClinVar variation 912326 (VCV000912326.13), dbSNP rs1821086096, ClinGen allele CA373168040.
Genomic context (GRCh38, chr9:32,542,708, plus strand): 5'-CTTTTCATTCTTTTCTTCCCATGATGCTTTCTATGATTCTTCTGATCATGCCCACTTCTA[C>T]TCTGAGAACGTGAATCTGAACTTCTTGATCTTCCCCTCTTTCTGTGTCTATGGTTATATG-3'
Protein context (NP_005793.2, residues 596-616): RSRSSDSRSQ[Ser606Asn]RSGHDQKNHR

ClinVar aggregate classification (germline): Uncertain significance. Review status: criteria provided, multiple submitters, no conflicts (2 of 4 stars). 3 submissions from 3 submitters: Uncertain significance (3). Last evaluated 2024-06-03.

Conditions:
Retinitis pigmentosa (RP). Identifiers: Orphanet 791, MedGen C0035334, MeSH D012174, MONDO:0019200, OMIM 268000. Inheritance: Autosomal dominant, autosomal recessive and X linked inheritance.

gnomAD v4.1: 4 of 1,614,072 alleles (0.00025%); highest among the groups gnomAD compares: South Asian, 0.0033%; no homozygotes.

Submissions (3):

Blueprint Genetics
Classification: Uncertain significance. Last evaluated: 2024-06-03. Review status: criteria provided, single submitter. Criteria: ACMG Guidelines, 2015. Collection method: clinical testing. Allele origin: germline.

Labcorp Genetics (formerly Invitae), Labcorp
Classification: Uncertain significance. Last evaluated: 2020-04-21. Review status: criteria provided, single submitter. Criteria: Invitae Variant Classification Sherloc (09022015). Collection method: clinical testing. Allele origin: germline.
Comment: This sequence change replaces serine with asparagine at codon 606 of the TOPORS protein (p.Ser606Asn). The serine residue is highly conserved and there is a small physicochemical difference between serine and asparagine. This variant is not present in population databases (ExAC no frequency). This variant has not been reported in the literature in individuals with TOPORS-related conditions. Algorithms developed to predict the effect of missense changes on protein structure and function are either unavailable or do not agree on the potential impact of this missense change (SIFT: "Deleterious"; PolyPhen-2: "Not Available"; Align-GVGD: "Class C0"). In summary, the available evidence is currently insufficient to determine the role of this variant in disease. Therefore, it has been classified as a Variant of Uncertain Significance.

Illumina Laboratory Services, Illumina
Classification: Uncertain significance for Retinitis pigmentosa. Last evaluated: 2018-01-13. Review status: criteria provided, single submitter. Criteria: ICSL Variant Classification Criteria 13 December 2019. Collection method: clinical testing. Allele origin: germline.